The following is an entry in ClinVar:

NM_001009944.3(PKD1):c.3372_3375delinsTTCT (p.Ala1124_Ser1125=)

Gene: PKD1 (polycystin 1, transient receptor potential channel interacting; minus strand). Cytogenetic location: 16p13.3.
Variant type: Indel.
Coding change: c.3372_3375delinsTTCT on transcript NM_001009944.3 (MANE Select); coding-DNA positions 3372 to 3375, CTCC replaced by TTCT.
Protein change: p.Ala1124_Ser1125=.
Molecular consequence: synonymous variant.
Genome position (GRCh38, 1-based): chr16:2,111,792-2,111,795, GGAG replaced by AGAA on the plus strand (CTCC replaced by TTCT on the coding strand, the reverse complement: PKD1 is on the minus strand). VCF-style: chr16-2111792-GGAG-AGAA. GRCh37 (hg19) VCF-style: chr16-2161793-GGAG-AGAA.
Other names: NM_001009944.3(PKD1):p.(Ala1124_Ser1125=); c.3372_3375delinsTTCT, p.Ala1124_Ser1125= (NM_000296.4).
Identifiers: ClinVar variation 4875654 (VCV004875654.1).

ClinVar aggregate classification (germline): Uncertain significance (1 of 4 stars; one submission).

Conditions:
Polycystic kidney disease, adult type (PKD1). Also called: Polycystic Kidney, Autosomal Dominant; POLYCYSTIC KIDNEY DISEASE, ADULT, TYPE I; Polycystic Kidney Disease 1, Autosomal Dominant; Polycystic kidney disease 1; Polycystic kidney disease 1, severe; POLYCYSTIC KIDNEY DISEASE 1 WITH OR WITHOUT POLYCYSTIC LIVER DISEASE. Identifiers: MedGen C3149841, MONDO:0008263, OMIM 173900.

Submission:

Department of Medical Genetics, Ordu University Medical School Training and Research Hospital
Classification: Uncertain significance for Polycystic kidney disease, adult type. Last evaluated: 2026-06-21. Review status: criteria provided, single submitter. Criteria: ACMG Guidelines, 2015. Collection method: clinical testing. Allele origin: germline. Affected: yes. Observed: 1 variant allele.
Comment: Complex synonymous indel in an exonic splice-regulatory region; SpliceAI delta 0.34 (donor-gain). ACMG-AMP: PM2_supporting, PP3_supporting. Distinct from the benign synonymous SNV c.3372C>T (VCV000256949.23). RNA splicing studies pending. HGVS validated with VariantValidator (GRCh38 16-2111792-GGAG-AGAA).